The following is an entry in ClinVar:

NM_000552.5(VWF):c.4006C>T (p.Arg1336Ter)

Gene: VWF (von Willebrand factor; minus strand). Cytogenetic location: 12p13.31.
Variant type: single nucleotide variant.
Coding change: c.4006C>T on transcript NM_000552.5 (MANE Select); coding-DNA position 4006, C replaced by T.
Protein change: p.Arg1336Ter; replaces arginine 1336 with a stop codon.
Molecular consequence: nonsense.
Genome position (GRCh38, 1-based): chr12:6,019,412, G>A on the plus strand (C>T on the coding strand, the complement: VWF is on the minus strand). VCF-style: chr12-6019412-G-A. GRCh37 (hg19) VCF-style: chr12-6128578-G-A.
Other names: c.4006C>T (NM_000552.4); short protein forms R1336*.
Identifiers: ClinVar variation 619748 (VCV000619748.3), dbSNP rs1565832211, ClinGen allele CA383505798.

ClinVar aggregate classification (germline): Pathogenic. Review status: criteria provided, multiple submitters, no conflicts (2 of 4 stars). 2 submissions from 2 submitters: Pathogenic (2). Last evaluated 2026-03-19.

Conditions:
VWF-related disorder. Also called: VWF-related disorders; VWF-related condition.

Allele frequency attached by ClinVar (database versions not stated): gnomAD exomes 0.00001.
gnomAD v4.1: 11 of 1,613,956 alleles (0.00068%); highest among the groups gnomAD compares: East Asian, 0.0022%; no homozygotes.

Submissions (2):

PreventionGenetics, part of Exact Sciences
Classification: Pathogenic for VWF-related condition. Last evaluated: 2026-03-19. Review status: criteria provided, single submitter. Criteria: ACMG Guidelines, 2015. Collection method: clinical testing. Allele origin: germline.
Comment: The VWF c.4006C>T variant is predicted to result in premature protein termination (p.Arg1336*). This variant was reported in the homozygous state an individual with type 3 Von Willebrand disease (Bowman et al. 2013. PubMed ID: 23311757). This variant has not been reported in a large population database (gnomAD), indicating this variant is rare. Nonsense variants in VWF are expected to be pathogenic. This variant is interpreted as pathogenic.

Quest Diagnostics Nichols Institute San Juan Capistrano
Classification: Pathogenic. Last evaluated: 2018-02-09. Review status: criteria provided, single submitter. Criteria: Quest Diagnostics criteria. Collection method: clinical testing. Allele origin: germline.